The following is an entry in ClinVar:

ClinVar aggregate classification (germline): Conflicting classifications of pathogenicity. Review status: criteria provided, conflicting classifications (1 of 4 stars). 9 submissions from 9 submitters: Uncertain significance (1); Likely benign (6). 2 of the submissions do not count toward it. Last evaluated 2026-01-06.

Conditions:
PLEC-related disorder. Also called: PLEC-related disorders; PLEC-related condition.
Epidermolysis bullosa simplex with nail dystrophy (EBS5D). Identifiers: MedGen C4225309, MONDO:0014661, OMIM 616487.
Autosomal recessive limb-girdle muscular dystrophy type 2Q (LGMDR17). Also called: MUSCULAR DYSTROPHY, LIMB-GIRDLE, AUTOSOMAL RECESSIVE 17. Identifiers: Orphanet 254361, MedGen C3150989, MONDO:0013390, OMIM 613723.
Epidermolysis bullosa simplex 5C, with pyloric atresia (EBS5C). Also called: PLEC-Related Epidermolysis Bullosa with Pyloric Atresia; Epidermolysis bullosa simplex with pyloric atresia; PLEC1-Related Epidermolysis Bullosa with Pyloric Atresia. Identifiers: Orphanet 158684, MedGen C2677349, MONDO:0012807, OMIM 612138.
Epidermolysis bullosa simplex 5B, with muscular dystrophy (EBS5B). Also called: EPIDERMOLYSIS BULLOSA SIMPLEX AND LIMB-GIRDLE MUSCULAR DYSTROPHY; Epidermolysis bullosa simplex with muscular dystrophy. Identifiers: Orphanet 257, MedGen C2931072, MONDO:0009181, OMIM 226670.
Epidermolysis bullosa simplex, Ogna type (EBS5A). Also called: Pidermolysis bullosa simplex 5A, Ogna type; EPIDERMOLYSIS BULLOSA SIMPLEX 5A, OGNA TYPE. Identifiers: Orphanet 79401, MedGen C0432317, MONDO:0007555, OMIM 131950.
Inborn genetic diseases. Identifiers: MedGen C0950123, MeSH D030342.

Allele frequency attached by ClinVar (database versions not stated): gnomAD exomes 0.00005 and 0.00006; ExAC 0.00008; gnomAD 0.00013 and 0.00014; TOPMed 0.00020.
gnomAD v4.1: 99 of 1,611,302 alleles (0.0061%); highest among the groups gnomAD compares: Admixed American, 0.02%; no homozygotes.

Submissions (9):

PreventionGenetics, part of Exact Sciences
Classification: Likely benign for PLEC-related condition. Last evaluated: 2026-01-06. Review status: criteria provided, single submitter. Criteria: ACMG Guidelines, 2015. Collection method: clinical testing. Allele origin: germline.
Comment: This variant is classified as likely benign based on ACMG/AMP sequence variant interpretation guidelines (Richards et al. 2015 PMID: 25741868, with internal and published modifications).

Labcorp Genetics (formerly Invitae), Labcorp
Classification: Likely benign for Autosomal recessive limb-girdle muscular dystrophy type 2Q; Epidermolysis bullosa simplex, Ogna type; Epidermolysis bullosa simplex with nail dystrophy; Epidermolysis bullosa simplex 5C, with pyloric atresia; Epidermolysis bullosa simplex 5B, with muscular dystrophy. Last evaluated: 2025-11-12. Review status: criteria provided, single submitter. Criteria: Invitae Variant Classification Sherloc (09022015). Collection method: clinical testing. Allele origin: germline.

Mayo Clinic Laboratories, Mayo Clinic
Classification: Likely benign. Last evaluated: 2025-05-23. Review status: criteria provided, single submitter. Criteria: ACMG Guidelines, 2015. Collection method: clinical testing. Allele origin: germline. Observed: 1 variant allele.
Comment: BP4, BP7

Ambry Genetics
Classification: Likely benign for Inborn genetic diseases. Last evaluated: 2024-12-10. Review status: criteria provided, single submitter. Criteria: Ambry Variant Classification Scheme 2023. Collection method: clinical testing. Allele origin: germline.

Blueprint Genetics
Classification: Likely benign. Last evaluated: 2024-11-19. Review status: criteria provided, single submitter. Criteria: ACMG Guidelines, 2015. Collection method: clinical testing. Allele origin: germline.

Eurofins Ntd Llc (ga)
Classification: Uncertain significance. Last evaluated: 2018-01-24. Review status: criteria provided, single submitter. Criteria: EGL Classification Definitions 2015. Collection method: clinical testing. Allele origin: germline. Observed: 7 variant alleles, 7 heterozygotes.

GeneDx
Classification: Likely benign. Last evaluated: 2016-08-02. Review status: criteria provided, single submitter. Criteria: GeneDx Variant Classification (06012015). Collection method: clinical testing. Allele origin: germline. Affected: yes.
Comment: This variant is considered likely benign or benign based on one or more of the following criteria: it is a conservative change, it occurs at a poorly conserved position in the protein, it is predicted to be benign by multiple in silico algorithms, and/or has population frequency not consistent with disease.

Clinical Genetics DNA and cytogenetics Diagnostics Lab, Erasmus MC, Erasmus Medical Center
Classification: Likely benign. Review status: no assertion criteria provided. Collection method: clinical testing. Allele origin: germline. Affected: yes. Study: VKGL Data-share Consensus. Not counted in ClinVar's aggregate classification.

Laboratory of Diagnostic Genome Analysis, Leiden University Medical Center (LUMC)
Classification: Likely benign. Review status: no assertion criteria provided. Collection method: clinical testing. Allele origin: germline. Affected: yes. Study: VKGL Data-share Consensus. Not counted in ClinVar's aggregate classification.

Literature cited by the submitters: PubMed 33057194 (cited by Mayo Clinic Laboratories, Mayo Clinic); PubMed 35982159 (cited by Mayo Clinic Laboratories, Mayo Clinic).

NM_201384.3(PLEC):c.13242C>T (p.Arg4414=)

Gene: PLEC (plectin; minus strand). Cytogenetic location: 8q24.3.
Variant type: single nucleotide variant.
Coding change: c.13242C>T on transcript NM_201384.3 (MANE Select); coding-DNA position 13242, C replaced by T.
Protein change: p.Arg4414=; no amino-acid change (arginine 4414 retained).
Molecular consequence: synonymous variant.
Genome position (GRCh38, 1-based): chr8:143,916,579, G>A on the plus strand (C>T on the coding strand, the complement: PLEC is on the minus strand). VCF-style: chr8-143916579-G-A. GRCh37 (hg19) VCF-style: chr8-144990747-G-A.
Other names: p.Arg4441=; c.13323C>T, p.Arg4441= (NM_000445.5); c.13200C>T, p.Arg4400= (NM_201378.4); c.13176C>T, p.Arg4392= (NM_201379.3); c.13653C>T, p.Arg4551= (NM_201380.4); c.13146C>T, p.Arg4382= (NM_201381.3); c.13242C>T, p.Arg4414= (NM_201382.4); c.13254C>T, p.Arg4418= (NM_201383.3).
Identifiers: ClinVar variation 282509 (VCV000282509.25), dbSNP rs200589588, ClinGen allele CA4923872.